The following is an entry in ClinVar:

ClinVar aggregate classification (germline): conflicting data from submitters (0 of 4 stars; one submission).

Submission:

ISCA site 1
Classification: conflicting data from submitters. Last evaluated: 2013-09-27. Review status: no assertion criteria provided. Collection method: clinical testing. Allele origin: paternal, maternal, unknown. Affected: yes. Observed: 3 variant alleles. Clinical features observed: Cryptorchidism (HP:0000028), Hypospadias (HP:0000047), Dandy-Walker malformation (HP:0001305), Failure to thrive (HP:0001508), Intrauterine growth retardation (HP:0001511), Abnormal facial shape (HP:0002260), Global developmental delay (HP:0001263), Premature birth (HP:0001622), Congenital nystagmus (HP:0006934), Smooth philtrum (HP:0000319), Wide nose (HP:0000445), Short neck (HP:0000470), and 1 more.
Comment: Uncertain significance(2), Likely benign (1)

Copy number variation identified through the course of routine clinical cytogenomic testing in postnatal populations, with clinical assertions as classified by the original submitter. For data from the original published study, Kaminsky, et al. 2011 (PubMed 21844811), please see nstd101.

GRCh38/hg38 5p14.3(chr5:20918273-21454847)x1

Genes: LINC02241 (long intergenic non-protein coding RNA 2241; plus strand), LOC129389259 (MPRA-validated peak5181 silencer; plus strand). Cytogenetic location: 5p14.3.
Variant type: copy number loss.
Change: copy number 1 (one copy instead of two) of chr5:20,918,273-21,454,847 (536.6 kb, GRCh38 coordinates, 1-based), cytogenetic band 5p14.3.
Identifiers: ClinVar variation 154872 (VCV000154872.2).